The following is an entry in ClinVar:

ClinVar aggregate classification (germline): Uncertain significance (1 of 4 stars; one submission).

Allele frequency attached by ClinVar (database versions not stated): gnomAD exomes below 0.00001.
gnomAD v4.1: 1 of 1,550,176 alleles (0.000065%); highest among the groups gnomAD compares: East Asian, 0.0024%; no homozygotes.

Submission:

Labcorp Genetics (formerly Invitae), Labcorp
Classification: Uncertain significance. Last evaluated: 2023-05-20. Review status: criteria provided, single submitter. Criteria: Invitae Variant Classification Sherloc (09022015). Collection method: clinical testing. Allele origin: germline.
Comment: Algorithms developed to predict the effect of missense changes on protein structure and function output the following: SIFT: "Not Available"; PolyPhen-2: "Benign"; Align-GVGD: "Not Available". The valine amino acid residue is found in multiple mammalian species, which suggests that this missense change does not adversely affect protein function. In summary, the available evidence is currently insufficient to determine the role of this variant in disease. Therefore, it has been classified as a Variant of Uncertain Significance. This variant has not been reported in the literature in individuals affected with ZNF469-related conditions. This sequence change replaces alanine, which is neutral and non-polar, with valine, which is neutral and non-polar, at codon 3664 of the ZNF469 protein (p.Ala3664Val). This variant is not present in population databases (gnomAD no frequency).

NM_001367624.2(ZNF469):c.11075C>T (p.Ala3692Val)

Gene: ZNF469 (zinc finger protein 469; plus strand). Cytogenetic location: 16q24.2.
Variant type: single nucleotide variant.
Coding change: c.11075C>T on transcript NM_001367624.2 (MANE Select); coding-DNA position 11075, C replaced by T.
Protein change: p.Ala3692Val; replaces alanine 3692 with valine.
Molecular consequence: missense variant.
Genome position (GRCh38, 1-based): chr16:88,438,545, C>T. VCF-style: chr16-88438545-C-T. GRCh37 (hg19) VCF-style: chr16-88504953-C-T.
Other names: short protein forms A3692V.
Identifiers: ClinVar variation 2873804 (VCV002873804.3), dbSNP rs1357244969, ClinGen allele CA397128922.
Genomic context (GRCh38, chr16:88,438,545, plus strand): 5'-AGCCTGCGGGCTGCCAGAGCTCATCAAAGGACAGGTCGGCAGCATCCACCCCCAGCAAAG[C>T]ACTCAAGTTCCCAGTGCACCCAAGGAAGGCGGTGGGGAGCCTGGCACCCGGGGAGCTGGC-3'
Protein context (NP_001354553.1, residues 3682-3702): DRSAASTPSK[Ala3692Val]LKFPVHPRKA